The following is an entry in ClinVar:

ClinVar aggregate classification (germline): Pathogenic (1 of 4 stars; one submission).

Conditions:
Intellectual developmental disorder, autosomal dominant 44, with microcephaly. Also called: Micrognathia-recurrent infections-behavioral abnormalities-mild intellectual disability syndrome; TRIO-Related Intellectual Disability. Identifiers: Orphanet 476126, MedGen C4310740, MONDO:0014892, OMIM 617061.

Submission:

EVOGEN
Classification: Pathogenic for Intellectual developmental disorder, autosomal dominant 44, with microcephaly. Last evaluated: 2025-11-11. Review status: criteria provided, single submitter. Criteria: ACMG Guidelines, 2015. Collection method: clinical testing. Allele origin: de novo. Inheritance: Autosomal dominant inheritance. Affected: yes.
Comment: PVS1_Very Strong: Null variant (nonsense) in gene TRIO, predicted to cause NMD. Loss-of-function is a known mechanism of disease (gene has 153 reported pathogenic LOF variants). The exon contains 2 pathogenic variants. The truncated region contains 151 pathogenic variants. PM2_Moderate: Variant not found in gnomAD genomes, good gnomAD genomes coverage = 31.1. Variant not found in gnomAD exomes, good gnomAD exomes coverage = 30.6.

NM_007118.4(TRIO):c.2839C>T (p.Gln947Ter)

Gene: TRIO (trio Rho guanine nucleotide exchange factor; plus strand). Cytogenetic location: 5p15.2.
Variant type: single nucleotide variant.
Coding change: c.2839C>T on transcript NM_007118.4 (MANE Select); coding-DNA position 2839, C replaced by T.
Protein change: p.Gln947Ter; replaces glutamine 947 with a stop codon.
Molecular consequence: nonsense. On other transcripts: non-coding transcript variant (1).
Genome position (GRCh38, 1-based): chr5:14,366,944, C>T. VCF-style: chr5-14366944-C-T. GRCh37 (hg19) VCF-style: chr5-14367053-C-T.
Other names: short protein forms Q947*.
Identifiers: ClinVar variation 4886774 (VCV004886774.1).